The following is an entry in ClinVar:

NM_006005.3(WFS1):c.2053C>T (p.Arg685Cys)

Gene: WFS1 (wolframin ER transmembrane glycoprotein; plus strand). Cytogenetic location: 4p16.1.
Variant type: single nucleotide variant.
Coding change: c.2053C>T on transcript NM_006005.3 (MANE Select); coding-DNA position 2053, C replaced by T.
Protein change: p.Arg685Cys; replaces arginine 685 with cysteine.
Molecular consequence: missense variant.
Genome position (GRCh38, 1-based): chr4:6,301,848, C>T. VCF-style: chr4-6301848-C-T. GRCh37 (hg19) VCF-style: chr4-6303575-C-T.
Other names: c.2053C>T, p.Arg685Cys (NM_001145853.1); short protein forms R685C.
Identifiers: ClinVar variation 393391 (VCV000393391.23), dbSNP rs112967046, ClinGen allele CA2839583.
Genomic context (GRCh38, chr4:6,301,848, plus strand): 5'-ACCTGGCAGCAGTATGGTGCGCTGTGCGGGCCACGCGCCTGGAAGGAGACCAACATGGCG[C>T]GCACCCAGATCCTCTGCAGCCACCTGGAGGGCCACAGGGTCACGTGGACCGGCCGCTTCA-3'
Protein context (NP_005996.2, residues 675-695): PRAWKETNMA[Arg685Cys]TQILCSHLEG

ClinVar aggregate classification (germline): Conflicting classifications of pathogenicity. Review status: criteria provided, conflicting classifications (1 of 4 stars). 13 submissions from 13 submitters: Pathogenic (1); Likely pathogenic (1); Uncertain significance (10). 1 of the submissions does not count toward it. Last evaluated 2026-08-01.

Conditions:
WFS1-related disorder. Identifiers: MedGen CN379391, MONDO:0700293.
Optic atrophy. Identifiers: MedGen C0029124, MONDO:0003608, HP:0000648.
Wolfram syndrome 1 (WFS1). Identifiers: Orphanet 3463, MedGen C4551693, MONDO:0009101, OMIM 222300.
Wolfram-like syndrome. Also called: HEARING LOSS, PROGRESSIVE, WITH OPTIC ATROPHY AND/OR IMPAIRED GLUCOSE REGULATION. Identifiers: Orphanet 411590, MedGen C3280358, MONDO:0013673, OMIM 614296.
Cataract 41 (CTRCT41). Also called: CATARACT 41, CONGENITAL NUCLEAR TYPE. Identifiers: Orphanet 91492, Orphanet 98991, Orphanet 98992, Orphanet 98995, MedGen C3805412, MONDO:0007287, OMIM 116400.
Type 2 diabetes mellitus. Also called: Type II diabetes mellitus. Identifiers: MedGen C0011860, MeSH D003924, MONDO:0005148, OMIM 125853, HP:0005978.
Autosomal dominant nonsyndromic hearing loss 6 (LFSNHL). Also called: Autosomal dominant nonsyndromic deafness 6; DEAFNESS, AUTOSOMAL DOMINANT 14; DEAFNESS, AUTOSOMAL DOMINANT 38; DEAFNESS, AUTOSOMAL DOMINANT 6. Identifiers: Orphanet 90635, MedGen C1833021, MONDO:0010963, OMIM 600965.
Monogenic diabetes. Identifiers: Orphanet 183625, MedGen C3888631, MONDO:0015967.
Meniere disease. Also called: Ménière's disease. Identifiers: MedGen C0025281, MONDO:0007972, OMIM 156000.

Allele frequency attached by ClinVar (database versions not stated): ESP Exome Variant Server 0.00015; gnomAD exomes 0.00017 and 0.00021; TOPMed 0.00019; gnomAD 0.00020 and 0.00021; ExAC 0.00021.
gnomAD v4.1: 288 of 1,612,938 alleles (0.018%); highest among the groups gnomAD compares: Middle Eastern, 0.082%; no homozygotes.

Submissions (13):

CeGaT Center for Human Genetics Tuebingen
Classification: Uncertain significance. Last evaluated: 2026-08-01. Review status: criteria provided, single submitter. Criteria: CeGaT Center For Human Genetics Tuebingen Variant Classification Criteria Version 2. Collection method: clinical testing. Allele origin: germline. Affected: yes. Observed: 1 variant allele.
Comment: WFS1: PM5, BP4

PreventionGenetics, part of Exact Sciences
Classification: Uncertain significance for WFS1-related condition. Last evaluated: 2026-06-19. Review status: criteria provided, single submitter. Criteria: ACMG Guidelines, 2015. Collection method: clinical testing. Allele origin: germline.
Comment: The WFS1 c.2053C>T variant is predicted to result in the amino acid substitution p.Arg685Cys. This variant has been reported in the compound heterozygous state along with a truncating variant in a patient with features consistent with Wolfram syndrome (Table S4 and S8, Colclough et al. 2022. PubMed ID: 34789499) and it was also observed in compound heterozygous state with pathogenic variant in an individual with early onset type 2 diabetes (Li et al. 2023. PubMed ID: 37277527). This variant was also reported in a study of the relationship between Wolfram syndrome carrier status and suicide (Crawford et al. 2002. PubMed ID: 11920861). A different substitutions at the same codon have been reported in patients with sensorineural hearing loss or early-onset diabetes (p.Arg685Pro, Bramhall et al. 2008. PubMed ID: 18518985; p.Arg685His, Artuso et al. 2015. PubMed ID: 25048417). This variant is reported in 0.056% of alleles in individuals of South Asian descent in gnomAD. While we suspect this variant may be pathogenic, at this time, the clinical significance of this variant is uncertain due to the absence of conclusive functional and genetic evidence.

Women's Health and Genetics/Laboratory Corporation of America, LabCorp
Classification: Uncertain significance. Last evaluated: 2026-02-17. Review status: criteria provided, single submitter. Criteria: LabCorp Variant Classification Summary - May 2015. Collection method: clinical testing. Allele origin: germline.
Comment: Variant summary: WFS1 c.2053C>T (p.Arg685Cys) results in a non-conservative amino acid change in the encoded protein sequence. Algorithms developed to predict the effect of missense changes on protein structure and function all suggest that this variant is likely to be disruptive. The variant allele was found at a frequency of 0.00021 in 250204 control chromosomes. This frequency is not significantly higher than estimated for disease-causing variants in WFS1, allowing no conclusion about variant significance. c.2053C>T has been observed in individuals affected with and/or with clinical features of Wolfram Syndrome 1 including early onset diabetes and hearing loss (e.g. Colclough_2022, Li_2023, Jung_2024, Zhang_2025). These data indicate that the variant may be associated with disease. At least one publication reports experimental evidence evaluating an impact on protein function. The variant resulted in slightly reduced protein expression and phosphorylation of Akt, but did not impact protein stability or its ability to suppress ER stress induction as measured by suppression of GRP78 expression (Zhang_2025). The following publications have been ascertained in the context of this evaluation (PMID: 34789499, 39200993, 37277527, 40777921). ClinVar contains an entry for this variant (Variation ID: 393391). Based on the evidence outlined above, the variant was classified as VUS-possibly pathogenic.

Labcorp Genetics (formerly Invitae), Labcorp
Classification: Uncertain significance. Last evaluated: 2025-10-29. Review status: criteria provided, single submitter. Criteria: Invitae Variant Classification Sherloc (09022015). Collection method: clinical testing. Allele origin: germline.
Comment: This sequence change replaces arginine, which is basic and polar, with cysteine, which is neutral and slightly polar, at codon 685 of the WFS1 protein (p.Arg685Cys). This variant is present in population databases (rs112967046, gnomAD 0.06%). This missense change has been observed in individual(s) with clinical features of autosomal recessive WFS1-related conditions (PMID: 34789499). ClinVar contains an entry for this variant (Variation ID: 393391). Invitae Evidence Modeling of protein sequence and biophysical properties (such as structural, functional, and spatial information, amino acid conservation, physicochemical variation, residue mobility, and thermodynamic stability) indicates that this missense variant is expected to disrupt WFS1 protein function with a positive predictive value of 95%. In summary, the available evidence is currently insufficient to determine the role of this variant in disease. Therefore, it has been classified as a Variant of Uncertain Significance.

GeneDx
Classification: Uncertain significance. Last evaluated: 2025-09-26. Review status: criteria provided, single submitter. Criteria: GeneDx Variant Classification Process June 2021. Collection method: clinical testing. Allele origin: germline. Affected: yes.
Comment: Reported with a second variant (phase unknown) in a patient suspected to have monogenic diabetes in published literature (PMID: 34789499); however, clinical information was not provided; In silico analysis supports that this missense variant has a deleterious effect on protein structure/function; This variant is associated with the following publications: (PMID: 11920861, 37277527, 40777921, 34789499)

Blueprint Genetics
Classification: Uncertain significance. Last evaluated: 2024-11-25. Review status: criteria provided, single submitter. Criteria: ACMG Guidelines, 2015. Collection method: clinical testing. Allele origin: germline.

3billion
Classification: Uncertain significance for Autosomal dominant nonsyndromic hearing loss 6. Last evaluated: 2024-07-30. Review status: criteria provided, single submitter. Criteria: ACMG Guidelines, 2015. Collection method: clinical testing. Allele origin: germline. Affected: yes.
Comment: The variant is observed at an allele frequency greater than expected for the associated disorder in the gnomAD v4.0.0 dataset. In silico tool predictions suggest damaging effect of the variant on gene or gene product [REVEL: 0.80 (>=0.6, sensitivity 0.68 and specificity 0.92); 3Cnet: 0.93 (>=0.6, sensitivity 0.72 and precision 0.9)]. Different missense changes at the same codon (p.Arg685His, p.Arg685Pro) have been reported as pathogenic/likely pathogenic with strong evidence (ClinVar ID: VCV000045446, VCV000215395 / PMID: 18518985). Therefore, this variant is classified as uncertain significance according to the recommendation of ACMG/AMP guideline.

Laboratory of Prof. Karen Avraham, Tel Aviv University
Classification: Pathogenic for Wolfram syndrome 1. Last evaluated: 2024-06-13. Review status: criteria provided, single submitter. Criteria: ACMG Guidelines, 2015. Collection method: research. Allele origin: germline. Affected: yes. Observed: 1 variant allele.
Comment: Homozygosity of a very rare variant predicted deleterious by most prediction programs and classified as likely pathogenic by one CLinVar entry.

WFS1; sloping to moderately-severe HL

Fulgent Genetics
Classification: Likely pathogenic for Cataract 41; Type 2 diabetes mellitus; Wolfram syndrome 1; Autosomal dominant nonsyndromic hearing loss 6; Wolfram-like syndrome. Last evaluated: 2024-04-11. Review status: criteria provided, single submitter. Criteria: ACMG Guidelines, 2015. Collection method: clinical testing. Allele origin: germline.

Department of Pathology and Laboratory Medicine, Sinai Health System
Classification: Uncertain significance for Cataract 41; Type 2 diabetes mellitus; Wolfram syndrome 1; Autosomal dominant nonsyndromic hearing loss 6; Wolfram-like syndrome. Last evaluated: 2021-10-27. Review status: criteria provided, single submitter. Criteria: ACMG Guidelines, 2015. Collection method: research. Allele origin: germline.

Institute of Human Genetics, Univ. Regensburg, Univ. Regensburg
Classification: Uncertain significance for Optic atrophy. Last evaluated: 2021-01-01. Review status: criteria provided, single submitter. Criteria: ACMG Guidelines, 2015. Collection method: clinical testing. Allele origin: germline. Affected: yes.

Personalized Diabetes Medicine Program, University of Maryland School of Medicine
Classification: Uncertain significance for Monogenic diabetes. Last evaluated: 2016-07-22. Review status: criteria provided, single submitter. Criteria: ACMG Guidelines, 2015. Collection method: research. Allele origin: unknown. Observed: 1 variant allele, 1 heterozygote.
Comment: ACMG Criteria: PP3

Center for Computational Biology & Bioinformatics, University of California, San Diego
Classification: Uncertain significance for Meniere disease. Last evaluated: 2024-06-03. Review status: no assertion criteria provided. Collection method: research. Allele origin: germline. Affected: yes. Not counted in ClinVar's aggregate classification.

Literature cited by the submitters: PubMed 34789499 (cited by Women's Health and Genetics/Laboratory Corporation of America, LabCorp and Labcorp Genetics (formerly Invitae), Labcorp); PubMed 37277527 (cited by Women's Health and Genetics/Laboratory Corporation of America, LabCorp); PubMed 39200993 (cited by Women's Health and Genetics/Laboratory Corporation of America, LabCorp); PubMed 40777921 (cited by Women's Health and Genetics/Laboratory Corporation of America, LabCorp); PubMed 11920861 (cited by Institute of Human Genetics, Univ. Regensburg, Univ. Regensburg); PubMed 3478949 (cited by Institute of Human Genetics, Univ. Regensburg, Univ. Regensburg).